The following is an entry in ClinVar:

ClinVar aggregate classification (germline): Benign (1 of 4 stars; one submission).

Allele frequency attached by ClinVar (database versions not stated): gnomAD 0.29266 and 0.29316; TOPMed 0.30581; 1000 Genomes Project 0.39137; 1000 Genomes Project 30x 0.39600.
gnomAD v4.1: 44,225 of 151,830 alleles (29%); highest among the groups gnomAD compares: African/African-American, 64%; 10,401 homozygotes.

Submission:

GeneDx
Classification: Benign. Last evaluated: 2018-06-16. Review status: criteria provided, single submitter. Criteria: GeneDx Variant Classification (06012015). Collection method: clinical testing. Allele origin: germline. Affected: yes.
Comment: This variant is considered likely benign or benign based on one or more of the following criteria: it is a conservative change, it occurs at a poorly conserved position in the protein, it is predicted to be benign by multiple in silico algorithms, and/or has population frequency not consistent with disease.

NM_006846.4(SPINK5):c.794+313A>T

Gene: SPINK5 (serine peptidase inhibitor Kazal type 5; plus strand). Cytogenetic location: 5q32.
Variant type: single nucleotide variant.
Coding change: c.794+313A>T on transcript NM_006846.4 (MANE Select); 313 bases into the intron after coding-DNA position 794, A replaced by T.
Molecular consequence: intron variant.
Genome position (GRCh38, 1-based): chr5:148,094,794, A>T. VCF-style: chr5-148094794-A-T. GRCh37 (hg19) VCF-style: chr5-147474357-A-T.
Other names: c.794+313A>T (NM_001127698.2, NM_001127699.2).
Identifiers: ClinVar variation 673397 (VCV000673397.1), dbSNP rs7725816, ClinGen allele CA12076513.
Genomic context (GRCh38, chr5:148,094,794, plus strand): 5'-CTGTGACTGTGACCTATGTGAAACTGTTTGTGAACTAATTCTAGTATAGAATGGGGGTAA[A>T]AGCAGGTACCACGACTTCGATTGTTTTTCTTCAGTAATTATCCCATGGTAACAGTGTTGA-3'